The following is an entry in ClinVar:

NM_004770.3(KCNB2):c.237C>G (p.Asp79Glu)

Gene: KCNB2 (potassium voltage-gated channel subfamily B member 2; plus strand). Cytogenetic location: 8q21.11.
Variant type: single nucleotide variant.
Coding change: c.237C>G on transcript NM_004770.3 (MANE Select); coding-DNA position 237, C replaced by G.
Protein change: p.Asp79Glu; replaces aspartic acid 79 with glutamic acid.
Molecular consequence: missense variant.
Genome position (GRCh38, 1-based): chr8:72,567,971, C>G. VCF-style: chr8-72567971-C-G. GRCh37 (hg19) VCF-style: chr8-73480206-C-G.
Other names: short protein forms D79E.
Identifiers: ClinVar variation 5037127 (VCV005037127.1).
Genomic context (GRCh38, chr8:72,567,971, plus strand): 5'-GCGCCTGGGGAAGCTTCGAGACTGCAACACACACGAGAGCCTCCTGGAAGTGTGCGACGA[C>G]TATAATCTGAACGAGAACGAGTATTTCTTTGATCGGCATCCAGGAGCCTTCACTTCCATT-3'
Protein context (NP_004761.2, residues 69-89): THESLLEVCD[Asp79Glu]YNLNENEYFF

ClinVar aggregate classification (germline): Uncertain significance (1 of 4 stars; one submission).

Submission:

GeneDx
Classification: Uncertain significance. Last evaluated: 2026-04-17. Review status: criteria provided, single submitter. Criteria: GeneDx Variant Classification Process June 2021. Collection method: clinical testing. Allele origin: germline.
Comment: Not observed at significant frequency in large population cohorts (gnomAD); In silico analysis supports that this missense variant has a deleterious effect on protein structure/function; Has not been previously published as pathogenic or benign to our knowledge